The following is an entry in ClinVar:

NM_000214.3(JAG1):c.2728_2748del (p.Glu910_Ser916del)

Gene: JAG1 (jagged canonical Notch ligand 1; minus strand). Cytogenetic location: 20p12.2.
Variant type: Deletion.
Coding change: c.2728_2748del on transcript NM_000214.3 (MANE Select); coding-DNA positions 2728 to 2748, 21 bases deleted (GAGTGCCCCAGCGGGCAGAGC).
Protein change: p.Glu910_Ser916del.
Molecular consequence: inframe deletion.
Genome position (GRCh38, 1-based): chr20:10,641,628-10,641,648, GCTCTGCCCGCTGGGGCACTC deleted on the plus strand (GAGTGCCCCAGCGGGCAGAGC on the coding strand, the reverse complement: JAG1 is on the minus strand); deleting any 21 consecutive bases within chr20:10,641,628-10,641,651 gives the same sequence; the c. name uses the placement nearest the transcript's 3' end. VCF-style (leftmost placement, unchanged base first): chr20-10641627-AGCTCTGCCCGCTGGGGCACTC-A. GRCh37 (hg19) VCF-style: chr20-10622275-AGCTCTGCCCGCTGGGGCACTC-A.
Other names: c.2728_2748del, p.Glu910_Ser916del (LRG_1191t1); c.2728_2748del (NM_000214.2).
Identifiers: ClinVar variation 593293 (VCV000593293.6), dbSNP rs1568792111, ClinGen allele CA913190620.

ClinVar aggregate classification (germline): Uncertain significance. Review status: criteria provided, multiple submitters, no conflicts (2 of 4 stars). 2 submissions from 2 submitters: Uncertain significance (2). Last evaluated 2025-02-11.

Submissions (2):

GeneDx
Classification: Uncertain significance. Last evaluated: 2025-02-11. Review status: criteria provided, single submitter. Criteria: GeneDx Variant Classification Process June 2021. Collection method: clinical testing. Allele origin: germline. Affected: yes.
Comment: Not observed at significant frequency in large population cohorts (gnomAD); In-frame deletion of 7 amino acid(s) in a non-repeat region; In silico analysis supports a deleterious effect on protein structure/function; Has not been previously published as pathogenic or benign to our knowledge

Eurofins Ntd Llc (ga)
Classification: Uncertain significance. Last evaluated: 2017-07-27. Review status: criteria provided, single submitter. Criteria: EGL Classification Definitions 2015. Collection method: clinical testing. Allele origin: germline. Observed: 1 variant allele, 1 heterozygote.